The following is an entry in ClinVar:

NM_000222.3(KIT):c.792C>T (p.His264=)

Gene: KIT (KIT proto-oncogene, receptor tyrosine kinase; plus strand). Cytogenetic location: 4q12.
Variant type: single nucleotide variant.
Coding change: c.792C>T on transcript NM_000222.3 (MANE Select); coding-DNA position 792, C replaced by T.
Protein change: p.His264=; no amino-acid change (histidine 264 retained).
Molecular consequence: synonymous variant.
Genome position (GRCh38, 1-based): chr4:54,703,759, C>T. VCF-style: chr4-54703759-C-T. GRCh37 (hg19) VCF-style: chr4-55569925-C-T.
Other names: c.792C>T, p.His264= (NM_001093772.2, NM_001385285.1, NM_001385286.1); c.795C>T, p.His265= (NM_001385284.1, NM_001385288.1, NM_001385290.1 and 1 more transcripts).
Identifiers: ClinVar variation 528661 (VCV000528661.18), dbSNP rs753102574, ClinGen allele CA2923322.

ClinVar aggregate classification (germline): Benign/Likely benign. Review status: criteria provided, multiple submitters, no conflicts (2 of 4 stars). 4 submissions from 4 submitters: Benign (1); Likely benign (3). Last evaluated 2026-09-02.

Conditions:
KIT-related disorder. Also called: KIT-related condition.
Hereditary cancer-predisposing syndrome. Also called: Hereditary neoplastic syndrome; Hereditary Cancer Syndrome; Neoplastic Syndromes, Hereditary; Tumor predisposition. Identifiers: Orphanet 140162, MedGen C0027672, MeSH D009386, MONDO:0015356.
Gastrointestinal stromal tumor. Also called: Gastrointestinal stroma tumor; Gastrointestinal stromal tumor, somatic. Identifiers: Orphanet 44890, MedGen C0238198, MeSH D046152, MONDO:0011719, OMIM 606764, HP:0100723.

Allele frequency attached by ClinVar (database versions not stated): ExAC 0.00001; gnomAD exomes 0.00003; TOPMed 0.00003.
gnomAD v4.1: 30 of 1,613,602 alleles (0.0019%); highest among the groups gnomAD compares: Admixed American, 0.0083%; no homozygotes.

Submissions (4):

PreventionGenetics, part of Exact Sciences
Classification: Likely benign for KIT-related condition. Last evaluated: 2026-09-02. Review status: criteria provided, single submitter. Criteria: ACMG Guidelines, 2015. Collection method: clinical testing. Allele origin: germline.
Comment: This variant is classified as likely benign based on ACMG/AMP sequence variant interpretation guidelines (Richards et al. 2015 PMID: 25741868, with internal and published modifications).

Myriad Genetics, Inc.
Classification: Benign for Gastrointestinal stromal tumor. Last evaluated: 2026-06-02. Review status: criteria provided, single submitter. Criteria: Myriad Autosomal Dominant, Autosomal Recessive and X-Linked Classification Criteria (2023). Collection method: clinical testing. Allele origin: unknown.
Comment: This variant is considered benign. This variant is a silent/synonymous amino acid change and it is not expected to impact splicing.

Labcorp Genetics (formerly Invitae), Labcorp
Classification: Likely benign for Gastrointestinal stromal tumor. Last evaluated: 2025-12-07. Review status: criteria provided, single submitter. Criteria: Invitae Variant Classification Sherloc (09022015). Collection method: clinical testing. Allele origin: germline.

Ambry Genetics
Classification: Likely benign for Hereditary cancer-predisposing syndrome. Last evaluated: 2019-05-20. Review status: criteria provided, single submitter. Criteria: Ambry Variant Classification Scheme 2023. Collection method: clinical testing. Allele origin: germline.